The following is an entry in ClinVar:

NM_000260.4(MYO7A):c.5379C>A (p.Asn1793Lys)

Gene: MYO7A (myosin VIIA; plus strand). Cytogenetic location: 11q13.5.
Variant type: single nucleotide variant.
Coding change: c.5379C>A on transcript NM_000260.4 (MANE Select); coding-DNA position 5379, C replaced by A.
Protein change: p.Asn1793Lys; replaces asparagine 1793 with lysine.
Molecular consequence: missense variant.
Genome position (GRCh38, 1-based): chr11:77,204,128, C>A. VCF-style: chr11-77204128-C-A. GRCh37 (hg19) VCF-style: chr11-76915173-C-A.
Other names: c.5265C>A, p.Asn1755Lys (NM_001127180.2); c.5232C>A, p.Asn1744Lys (NM_001369365.1); short protein forms N1744K, N1755K, N1793K.
Identifiers: ClinVar variation 4805677 (VCV004805677.1).

ClinVar aggregate classification (germline): Uncertain significance (1 of 4 stars; one submission).

gnomAD v4.1: 1 of 1,599,416 alleles (0.000063%); highest among the groups gnomAD compares: Non-Finnish European, 0.000085%; no homozygotes.

Submission:

Labcorp Genetics (formerly Invitae), Labcorp
Classification: Uncertain significance. Last evaluated: 2025-06-23. Review status: criteria provided, single submitter. Criteria: Invitae Variant Classification Sherloc (09022015). Collection method: clinical testing. Allele origin: germline.
Comment: This sequence change replaces asparagine, which is neutral and polar, with lysine, which is basic and polar, at codon 1793 of the MYO7A protein (p.Asn1793Lys). This variant is not present in population databases (gnomAD no frequency). This variant has not been reported in the literature in individuals affected with MYO7A-related conditions. Invitae Evidence Modeling of protein sequence and biophysical properties (such as structural, functional, and spatial information, amino acid conservation, physicochemical variation, residue mobility, and thermodynamic stability) has been performed for this missense variant. However, the output from this modeling did not meet the statistical confidence thresholds required to predict the impact of this variant on MYO7A protein function. In summary, the available evidence is currently insufficient to determine the role of this variant in disease. Therefore, it has been classified as a Variant of Uncertain Significance.